The following is an entry in ClinVar:

NM_015559.3(SETBP1):c.3971G>A (p.Arg1324Lys)

Gene: SETBP1 (SET binding protein 1; plus strand). Cytogenetic location: 18q12.3.
Variant type: single nucleotide variant.
Coding change: c.3971G>A on transcript NM_015559.3 (MANE Select); coding-DNA position 3971, G replaced by A.
Protein change: p.Arg1324Lys; replaces arginine 1324 with lysine.
Molecular consequence: missense variant.
Genome position (GRCh38, 1-based): chr18:44,953,311, G>A. VCF-style: chr18-44953311-G-A. GRCh37 (hg19) VCF-style: chr18-42533276-G-A.
Other names: c.3971G>A, p.Arg1324Lys (NM_001379141.1, NM_001379142.1, NM_001410862.1); short protein forms R1324K.
Identifiers: ClinVar variation 2752211 (VCV002752211.3), dbSNP rs2511477966, ClinGen allele CA402325597.

ClinVar aggregate classification (germline): Uncertain significance (1 of 4 stars; one submission).

Allele frequency attached by ClinVar (database versions not stated): gnomAD exomes below 0.00001.
gnomAD v4.1: 2 of 1,613,964 alleles (0.00012%); highest among the groups gnomAD compares: Non-Finnish European, 0.00017%; no homozygotes.

Submission:

Labcorp Genetics (formerly Invitae), Labcorp
Classification: Uncertain significance. Last evaluated: 2023-08-11. Review status: criteria provided, single submitter. Criteria: Invitae Variant Classification Sherloc (09022015). Collection method: clinical testing. Allele origin: germline.
Comment: In summary, the available evidence is currently insufficient to determine the role of this variant in disease. Therefore, it has been classified as a Variant of Uncertain Significance. Advanced modeling of protein sequence and biophysical properties (such as structural, functional, and spatial information, amino acid conservation, physicochemical variation, residue mobility, and thermodynamic stability) performed at Invitae indicates that this missense variant is not expected to disrupt SETBP1 protein function. This variant has not been reported in the literature in individuals affected with SETBP1-related conditions. This variant is not present in population databases (gnomAD no frequency). This sequence change replaces arginine, which is basic and polar, with lysine, which is basic and polar, at codon 1324 of the SETBP1 protein (p.Arg1324Lys).